The following is an entry in ClinVar:

NM_001931.5(DLAT):c.1664C>A (p.Pro555Gln)

Genes: DLAT (dihydrolipoamide S-acetyltransferase; plus strand), PIH1D2 (PIH1 domain containing 2; minus strand). Cytogenetic location: 11q23.1.
Variant type: single nucleotide variant.
Coding change: c.1664C>A on transcript NM_001931.5 (MANE Select); coding-DNA position 1664, C replaced by A.
Protein change: p.Pro555Gln; replaces proline 555 with glutamine.
Molecular consequence: missense variant. On other transcripts: non-coding transcript variant (1).
Genome position (GRCh38, 1-based): chr11:112,060,052, C>A. VCF-style: chr11-112060052-C-A. GRCh37 (hg19) VCF-style: chr11-111930776-C-A.
Other names: c.1682C>A, p.Pro561Gln (NM_001372031.1); c.1658C>A, p.Pro553Gln (NM_001372032.1); c.1643C>A, p.Pro548Gln (NM_001372033.1); c.1631C>A, p.Pro544Gln (NM_001372034.1); c.1556C>A, p.Pro519Gln (NM_001372035.1); c.1538C>A, p.Pro513Gln (NM_001372036.1); c.1496C>A, p.Pro499Gln (NM_001372037.1); c.1385C>A, p.Pro462Gln (NM_001372038.1); and 5 more; short protein forms P450Q, P499Q, P513Q, P544Q, P555Q, P414Q, P519Q, P428Q.
Identifiers: ClinVar variation 1355672 (VCV001355672.4), dbSNP rs1864460439, ClinGen allele CA382617797.

ClinVar aggregate classification (germline): Uncertain significance. Review status: criteria provided, multiple submitters, no conflicts (2 of 4 stars). 2 submissions from 2 submitters: Uncertain significance (2). Last evaluated 2026-03-26.

Conditions:
Inborn genetic diseases. Identifiers: MedGen C0950123, MeSH D030342.
Pyruvate dehydrogenase E2 deficiency (PDHDD). Also called: Dihydrolipoamide Acetyltransferase (E2) Deficiency; LACTIC ACIDEMIA DUE TO DEFECT OF E2 LIPOYL TRANSACETYLASE OF THE PYRUVATE DEHYDROGENASE COMPLEX. Identifiers: Orphanet 765, Orphanet 79244, MedGen C1855565, MONDO:0009502, OMIM 245348.

Allele frequency attached by ClinVar (database versions not stated): gnomAD 0.00001.
gnomAD v4.1: 1 of 1,613,580 alleles (0.000062%); highest among the groups gnomAD compares: Admixed American, 0.0017%; no homozygotes.

Submissions (2):

Ambry Genetics
Classification: Uncertain significance for Inborn genetic diseases. Last evaluated: 2026-03-26. Review status: criteria provided, single submitter. Criteria: Ambry Variant Classification Scheme 2023. Collection method: clinical testing. Allele origin: germline.

Labcorp Genetics (formerly Invitae), Labcorp
Classification: Uncertain significance for Pyruvate dehydrogenase E2 deficiency. Last evaluated: 2021-10-22. Review status: criteria provided, single submitter. Criteria: Invitae Variant Classification Sherloc (09022015). Collection method: clinical testing. Allele origin: germline.
Comment: This sequence change replaces proline with glutamine at codon 555 of the DLAT protein (p.Pro555Gln). The proline residue is highly conserved and there is a moderate physicochemical difference between proline and glutamine. This variant is not present in population databases (ExAC no frequency). This variant has not been reported in the literature in individuals affected with DLAT-related conditions. Advanced modeling of protein sequence and biophysical properties (such as structural, functional, and spatial information, amino acid conservation, physicochemical variation, residue mobility, and thermodynamic stability) performed at Invitae indicates that this missense variant is expected to disrupt DLAT protein function. In summary, the available evidence is currently insufficient to determine the role of this variant in disease. Therefore, it has been classified as a Variant of Uncertain Significance.